The following is an entry in ClinVar:

NM_001378778.1(MPDZ):c.3630+4C>A

Gene: MPDZ (multiple PDZ domain crumbs cell polarity complex component; minus strand). Cytogenetic location: 9p23.
Variant type: single nucleotide variant.
Coding change: c.3630+4C>A on transcript NM_001378778.1 (MANE Select); 4 bases into the intron after coding-DNA position 3630, C replaced by A.
Molecular consequence: intron variant.
Genome position (GRCh38, 1-based): chr9:13,150,507, G>T on the plus strand (C>A on the coding strand, the complement: MPDZ is on the minus strand). VCF-style: chr9-13150507-G-T. GRCh37 (hg19) VCF-style: chr9-13150506-G-T.
Other names: c.3630+4C>A (NM_001375425.1, NM_001375420.1, NM_001375419.1 and 13 more transcripts); c.3432+4C>A (NM_001375427.1).
Identifiers: ClinVar variation 1424340 (VCV001424340.6), dbSNP rs748396545, ClinGen allele CA4987061.

ClinVar aggregate classification (germline): Uncertain significance (1 of 4 stars; one submission).

Allele frequency attached by ClinVar (database versions not stated): ExAC 0.00002; gnomAD exomes 0.00003; 1000 Genomes Project 30x 0.00016.

Submission:

Labcorp Genetics (formerly Invitae), Labcorp
Classification: Uncertain significance. Last evaluated: 2023-11-27. Review status: criteria provided, single submitter. Criteria: Invitae Variant Classification Sherloc (09022015). Collection method: clinical testing. Allele origin: germline.
Comment: This sequence change falls in intron 25 of the MPDZ gene. It does not directly change the encoded amino acid sequence of the MPDZ protein. It affects a nucleotide within the consensus splice site. This variant is present in population databases (rs748396545, gnomAD 0.02%). This variant has not been reported in the literature in individuals affected with MPDZ-related conditions. ClinVar contains an entry for this variant (Variation ID: 1424340). Variants that disrupt the consensus splice site are a relatively common cause of aberrant splicing (PMID: 17576681, 9536098). Algorithms developed to predict the effect of sequence changes on RNA splicing suggest that this variant is not likely to affect RNA splicing. In summary, the available evidence is currently insufficient to determine the role of this variant in disease. Therefore, it has been classified as a Variant of Uncertain Significance.

Literature cited by the submitters: PubMed 17576681; PubMed 9536098.